The following is an entry in ClinVar:

ClinVar aggregate classification (germline): Uncertain significance. Review status: criteria provided, multiple submitters, no conflicts (2 of 4 stars). 2 submissions from 2 submitters: Uncertain significance (2). Last evaluated 2026-01-26.

Conditions:
Rubinstein-Taybi syndrome due to EP300 haploinsufficiency. Also called: EP300-Related Rubinstein-Taybi Syndrome; RUBINSTEIN-TAYBI SYNDROME 2. Identifiers: Orphanet 353284, Orphanet 783, MedGen C3150941, MONDO:0013364, OMIM 613684.

Allele frequency attached by ClinVar (database versions not stated): gnomAD exomes 0.00001.
gnomAD v4.1: 7 of 1,614,138 alleles (0.00043%); highest among the groups gnomAD compares: Non-Finnish European, 0.00059%; no homozygotes.

Submissions (2):

Labcorp Genetics (formerly Invitae), Labcorp
Classification: Uncertain significance for Rubinstein-Taybi syndrome due to EP300 haploinsufficiency. Last evaluated: 2026-01-26. Review status: criteria provided, single submitter. Criteria: Invitae Variant Classification Sherloc (09022015). Collection method: clinical testing. Allele origin: germline.
Comment: This sequence change replaces aspartic acid, which is acidic and polar, with glutamic acid, which is acidic and polar, at codon 985 of the EP300 protein (p.Asp985Glu). This variant is not present in population databases (gnomAD no frequency). This variant has not been reported in the literature in individuals affected with EP300-related conditions. ClinVar contains an entry for this variant (Variation ID: 1959440). Invitae Evidence Modeling of protein sequence and biophysical properties (such as structural, functional, and spatial information, amino acid conservation, physicochemical variation, residue mobility, and thermodynamic stability) indicates that this missense variant is not expected to disrupt EP300 protein function with a negative predictive value of 80%. In summary, the available evidence is currently insufficient to determine the role of this variant in disease. Therefore, it has been classified as a Variant of Uncertain Significance.

CeGaT Center for Human Genetics Tuebingen
Classification: Uncertain significance. Last evaluated: 2022-09-01. Review status: criteria provided, single submitter. Criteria: CeGaT Center For Human Genetics Tuebingen Variant Classification Criteria Version 2. Collection method: clinical testing. Allele origin: germline. Affected: yes. Observed: 1 variant allele.
Comment: EP300: PM2, BP4

NM_001429.4(EP300):c.2955T>A (p.Asp985Glu)

Genes: EP300 (EP300 lysine acetyltransferase; plus strand), LOC126863158 (BRD4-independent group 4 enhancer GRCh37_chr22:41547383-41548582; plus strand). Cytogenetic location: 22q13.2.
Variant type: single nucleotide variant.
Coding change: c.2955T>A on transcript NM_001429.4 (MANE Select); coding-DNA position 2955, T replaced by A.
Protein change: p.Asp985Glu; replaces aspartic acid 985 with glutamic acid.
Molecular consequence: missense variant.
Genome position (GRCh38, 1-based): chr22:41,151,970, T>A. VCF-style: chr22-41151970-T-A. GRCh37 (hg19) VCF-style: chr22-41547974-T-A.
Other names: c.2877T>A, p.Asp959Glu (NM_001362843.2); short protein forms D959E, D985E.
Identifiers: ClinVar variation 1959440 (VCV001959440.29), dbSNP rs2059048484, ClinGen allele CA411693042.